The following is an entry in ClinVar:

ClinVar aggregate classification (germline): Likely benign. Review status: criteria provided, multiple submitters, no conflicts (2 of 4 stars). 2 submissions from 2 submitters: Likely benign (2). Last evaluated 2025-07-17.

Conditions:
RYR1-related disorder. Also called: RYR1-related disorders; RYR1-related condition. Identifiers: MedGen CN239331.
Malignant hyperthermia, susceptibility to, 1 (MHS1). Also called: Anesthesia related hyperthermia; Malignant hyperpyrexia; Fulminating hyperpyrexia; Pharmacogenic myopathy; RYR1-Related Malignant Hyperthermia Susceptibility; Malignant hyperthermia suceptibility 1. Identifiers: Orphanet 423, MedGen C2930980, MONDO:0007783, OMIM 145600.

Allele frequency attached by ClinVar (database versions not stated): gnomAD 0.00001; gnomAD exomes 0.00001; TOPMed 0.00001; ExAC 0.00002.
gnomAD v4.1: 7 of 1,614,108 alleles (0.00043%); highest among the groups gnomAD compares: African/African-American, 0.0027%; no homozygotes.

Submissions (2):

Labcorp Genetics (formerly Invitae), Labcorp
Classification: Likely benign for RYR1-related disorder. Last evaluated: 2025-07-17. Review status: criteria provided, single submitter. Criteria: Invitae Variant Classification Sherloc (09022015). Collection method: clinical testing. Allele origin: germline.

All of Us Research Program, National Institutes of Health
Classification: Likely benign for Malignant hyperthermia, susceptibility to, 1. Last evaluated: 2024-09-23. Review status: criteria provided, single submitter. Criteria: ACMG Guidelines, 2015. Collection method: clinical testing. Allele origin: germline. Inheritance: Autosomal dominant inheritance. Observed: 2 variant alleles, 2 heterozygotes.
Comment: This study involves interpretation of variants in research participants for the purpose of population health screening. Participant phenotype was not available at the time of variant classification. Additional details can be found in publication PMID: 35346344, PMCID: PMC8962531

NM_000540.3(RYR1):c.3300C>T (p.Arg1100=)

Gene: RYR1 (ryanodine receptor 1; plus strand). Cytogenetic location: 19q13.2.
Variant type: single nucleotide variant.
Coding change: c.3300C>T on transcript NM_000540.3 (MANE Select); coding-DNA position 3300, C replaced by T.
Protein change: p.Arg1100=; no amino-acid change (arginine 1100 retained).
Molecular consequence: synonymous variant.
Genome position (GRCh38, 1-based): chr19:38,467,731, C>T. VCF-style: chr19-38467731-C-T. GRCh37 (hg19) VCF-style: chr19-38958371-C-T.
Other names: c.3300C>T, p.Arg1100= (NM_001042723.2).
Identifiers: ClinVar variation 1092734 (VCV001092734.10), dbSNP rs779962133, ClinGen allele CA064660.